The following is an entry in ClinVar:

ClinVar aggregate classification (germline): Uncertain significance. Review status: criteria provided, multiple submitters, no conflicts (2 of 4 stars). 2 submissions from 2 submitters: Uncertain significance (2). Last evaluated 2026-08-01.

Allele frequency attached by ClinVar (database versions not stated): TOPMed below 0.00001; gnomAD exomes 0.00001; ExAC 0.00002.
gnomAD v4.1: 13 of 1,613,890 alleles (0.00081%); highest among the groups gnomAD compares: Non-Finnish European, 0.0011%; no homozygotes.

Submissions (2):

CeGaT Center for Human Genetics Tuebingen
Classification: Uncertain significance. Last evaluated: 2026-08-01. Review status: criteria provided, single submitter. Criteria: CeGaT Center For Human Genetics Tuebingen Variant Classification Criteria Version 2. Collection method: clinical testing. Allele origin: germline. Affected: yes. Observed: 1 variant allele.
Comment: CLTC: PP2

Labcorp Genetics (formerly Invitae), Labcorp
Classification: Uncertain significance. Last evaluated: 2023-10-10. Review status: criteria provided, single submitter. Criteria: Invitae Variant Classification Sherloc (09022015). Collection method: clinical testing. Allele origin: germline.
Comment: This sequence change replaces arginine, which is basic and polar, with histidine, which is basic and polar, at codon 1041 of the CLTC protein (p.Arg1041His). This variant is present in population databases (rs758267600, gnomAD 0.002%). This variant has not been reported in the literature in individuals affected with CLTC-related conditions. Advanced modeling of protein sequence and biophysical properties (such as structural, functional, and spatial information, amino acid conservation, physicochemical variation, residue mobility, and thermodynamic stability) performed at Invitae indicates that this missense variant is not expected to disrupt CLTC protein function. In summary, the available evidence is currently insufficient to determine the role of this variant in disease. Therefore, it has been classified as a Variant of Uncertain Significance.

NM_004859.4(CLTC):c.3110G>A (p.Arg1037His)

Gene: CLTC (clathrin heavy chain; plus strand). Cytogenetic location: 17q23.1.
Variant type: single nucleotide variant.
Coding change: c.3110G>A on transcript NM_004859.4 (MANE Select); coding-DNA position 3110, G replaced by A.
Protein change: p.Arg1037His; replaces arginine 1037 with histidine.
Molecular consequence: missense variant.
Genome position (GRCh38, 1-based): chr17:59,681,339, G>A. VCF-style: chr17-59681339-G-A. GRCh37 (hg19) VCF-style: chr17-57758700-G-A.
Other names: c.3122G>A, p.Arg1041His (NM_001288653.2); short protein forms R1041H, R1037H.
Identifiers: ClinVar variation 2830241 (VCV002830241.4), dbSNP rs758267600, ClinGen allele CA8681537.